The following is an entry in ClinVar:

NM_017950.4(CCDC40):c.3038C>T (p.Thr1013Ile)

Gene: CCDC40 (coiled-coil domain 40 molecular ruler complex subunit; plus strand). Cytogenetic location: 17q25.3.
Variant type: single nucleotide variant.
Coding change: c.3038C>T on transcript NM_017950.4 (MANE Select); coding-DNA position 3038, C replaced by T.
Protein change: p.Thr1013Ile; replaces threonine 1013 with isoleucine.
Molecular consequence: missense variant.
Genome position (GRCh38, 1-based): chr17:80,097,261, C>T. VCF-style: chr17-80097261-C-T. GRCh37 (hg19) VCF-style: chr17-78071060-C-T.
Other names: short protein forms T1013I.
Identifiers: ClinVar variation 525457 (VCV000525457.9), dbSNP rs1257141883, ClinGen allele CA401356528.

ClinVar aggregate classification (germline): Uncertain significance (1 of 4 stars; one submission).

Conditions:
Primary ciliary dyskinesia. Also called: Ciliary dyskinesia. Identifiers: Orphanet 244, MedGen C0008780, MONDO:0016575, HP:0012265.

Submission:

Labcorp Genetics (formerly Invitae), Labcorp
Classification: Uncertain significance for Primary ciliary dyskinesia. Last evaluated: 2017-12-24. Review status: criteria provided, single submitter. Criteria: Invitae Variant Classification Sherloc (09022015). Collection method: clinical testing. Allele origin: germline.
Comment: In summary, the available evidence is currently insufficient to determine the role of this variant in disease. Therefore, it has been classified as a Variant of Uncertain Significance. Algorithms developed to predict the effect of missense changes on protein structure and function do not agree on the potential impact of this missense change (SIFT: "Deleterious"; PolyPhen-2: "Benign"; Align-GVGD: "Class C0"). This variant has not been reported in the literature in individuals with CCDC40-related disease. This variant is not present in population databases (ExAC no frequency). This sequence change replaces threonine with isoleucine at codon 1013 of the CCDC40 protein (p.Thr1013Ile). The threonine residue is moderately conserved and there is a moderate physicochemical difference between threonine and isoleucine.